The following is an entry in ClinVar:

NM_177438.3(DICER1):c.1422C>G (p.Ile474Met)

Gene: DICER1 (dicer 1, ribonuclease III; minus strand). Cytogenetic location: 14q32.13.
Variant type: single nucleotide variant.
Coding change: c.1422C>G on transcript NM_177438.3 (MANE Select); coding-DNA position 1422, C replaced by G.
Protein change: p.Ile474Met; replaces isoleucine 474 with methionine.
Molecular consequence: missense variant. On other transcripts: 5 prime UTR variant (1), non-coding transcript variant (6).
Genome position (GRCh38, 1-based): chr14:95,117,709, G>C on the plus strand (C>G on the coding strand, the complement: DICER1 is on the minus strand). VCF-style: chr14-95117709-G-C. GRCh37 (hg19) VCF-style: chr14-95584046-G-C.
Other names: c.1422C>G, p.Ile474Met (NM_001395684.1, NM_001395692.1, NM_001395693.1 and 12 more transcripts); c.1140C>G, p.Ile380Met (NM_001395686.1); c.1017C>G, p.Ile339Met (NM_001395687.1, NM_001395688.1, NM_001395689.1 and 3 more transcripts); c.855C>G, p.Ile285Met (NM_001395691.1); c.-147C>G (NM_001395697.1); short protein forms I380M, I474M, I285M, I339M.
Identifiers: ClinVar variation 4746785 (VCV004746785.1).

ClinVar aggregate classification (germline): Uncertain significance (1 of 4 stars; one submission).

Conditions:
DICER1-related tumor predisposition. Also called: DICER1-related pleuropulmonary blastoma cancer predisposition syndrome; DICER1 syndrome. Identifiers: Orphanet 284343, MedGen C3839822, MONDO:0100216.

Submission:

Labcorp Genetics (formerly Invitae), Labcorp
Classification: Uncertain significance for DICER1-related tumor predisposition. Last evaluated: 2025-04-09. Review status: criteria provided, single submitter. Criteria: Invitae Variant Classification Sherloc (09022015). Collection method: clinical testing. Allele origin: germline.
Comment: This sequence change replaces isoleucine, which is neutral and non-polar, with methionine, which is neutral and non-polar, at codon 474 of the DICER1 protein (p.Ile474Met). This variant is present in population databases (rs768640312, gnomAD 0.0009%). This variant has not been reported in the literature in individuals affected with DICER1-related conditions. Invitae Evidence Modeling of protein sequence and biophysical properties (such as structural, functional, and spatial information, amino acid conservation, physicochemical variation, residue mobility, and thermodynamic stability) indicates that this missense variant is not expected to disrupt DICER1 protein function with a negative predictive value of 95%. In summary, the available evidence is currently insufficient to determine the role of this variant in disease. Therefore, it has been classified as a Variant of Uncertain Significance.